The following is an entry in ClinVar:

ClinVar aggregate classification (germline): Benign/Likely benign. Review status: criteria provided, multiple submitters, no conflicts (2 of 4 stars). 4 submissions from 4 submitters: Benign (2); Likely benign (1). 1 of the submissions does not count toward it. Last evaluated 2025-10-01.

Conditions:
BCL11A-related disorder. Also called: BCL11A-related condition.

Allele frequency attached by ClinVar (database versions not stated): gnomAD 0.00053 and 0.00059; 1000 Genomes Project 0.00060; ESP Exome Variant Server 0.00085; ExAC 0.00102; gnomAD exomes 0.00114; 1000 Genomes Project 30x 0.00047; TOPMed 0.00048.
gnomAD v4.1: 1,381 of 1,612,388 alleles (0.086%); highest among the groups gnomAD compares: Middle Eastern, 0.53%; 5 homozygotes.

Submissions (4):

CeGaT Center for Human Genetics Tuebingen
Classification: Likely benign. Last evaluated: 2025-10-01. Review status: criteria provided, single submitter. Criteria: CeGaT Center For Human Genetics Tuebingen Variant Classification Criteria Version 2. Collection method: clinical testing. Allele origin: germline. Affected: yes. Observed: 7 variant alleles.
Comment: BCL11A: BP4, BP7

Labcorp Genetics (formerly Invitae), Labcorp
Classification: Benign. Last evaluated: 2018-12-19. Review status: criteria provided, single submitter. Criteria: Invitae Variant Classification Sherloc (09022015). Collection method: clinical testing. Allele origin: germline.

Breakthrough Genomics
Classification: Benign. Review status: criteria provided, single submitter. Criteria: ACMG Guidelines, 2015. Collection method: not provided. Allele origin: germline. Inheritance: Autosomal dominant inheritance. Affected: yes.

PreventionGenetics, part of Exact Sciences
Classification: Benign for BCL11A-related condition. Last evaluated: 2023-12-28. Review status: no assertion criteria provided. Collection method: clinical testing. Allele origin: germline. Not counted in ClinVar's aggregate classification.
Comment: This variant is classified as benign based on ACMG/AMP sequence variant interpretation guidelines (Richards et al. 2015 PMID: 25741868, with internal and published modifications).

NM_022893.4(BCL11A):c.1716C>T (p.Arg572=)

Gene: BCL11A (BCL11 transcription factor A; minus strand). Cytogenetic location: 2p16.1.
Variant type: single nucleotide variant.
Coding change: c.1716C>T on transcript NM_022893.4 (MANE Select); coding-DNA position 1716, C replaced by T.
Protein change: p.Arg572=; no amino-acid change (arginine 572 retained).
Molecular consequence: synonymous variant. On other transcripts: intron variant (1).
Genome position (GRCh38, 1-based): chr2:60,461,196, G>A on the plus strand (C>T on the coding strand, the complement: BCL11A is on the minus strand). VCF-style: chr2-60461196-G-A. GRCh37 (hg19) VCF-style: chr2-60688331-G-A.
Other names: c.1614C>T, p.Arg538= (NM_001363864.1, NM_001365609.1); c.1716C>T, p.Arg572= (NM_018014.4); c.630+1086C>T (NM_138559.2).
Identifiers: ClinVar variation 772844 (VCV000772844.28), dbSNP rs114252508, ClinGen allele CA1671052.